The following is an entry in ClinVar:

ClinVar aggregate classification (germline): Pathogenic (1 of 4 stars; one submission).

Conditions:
Cohen syndrome (COH1). Also called: Cutis verticis gyrata, retinitis pigmentosa, and sensorineural deafness; PEPPER SYNDROME. Identifiers: Orphanet 193, MedGen C0265223, MONDO:0008999, OMIM 216550.

Submission:

Myriad Genetics, Inc.
Classification: Pathogenic for Cohen syndrome. Last evaluated: 2026-05-26. Review status: criteria provided, single submitter. Criteria: Myriad Autosomal Dominant, Autosomal Recessive and X-Linked Classification Criteria (2023). Collection method: clinical testing. Allele origin: unknown.
Comment: NM_017890.4(VPS13B):c.8040_8043delTTGG(W2681Afs*60) is a frameshift variant classified as pathogenic in the context of Cohen syndrome. W2681Afs*60 has not been observed in cases with relevant disease. Relevant functional assessments of this variant are not available in the literature. W2681Afs*60 has not been observed in referenced population frequency databases. In summary, NM_017890.4(VPS13B):c.8040_8043delTTGG(W2681Afs*60) is a frameshift variant in a gene where loss of function is a known mechanism of disease and is predicted to disrupt protein function. Please note: this variant was assessed in the context of healthy population screening.

NM_152564.5(VPS13B):c.7965_7968del (p.Trp2656fs)

Gene: VPS13B (vacuolar protein sorting 13 homolog B; plus strand). Cytogenetic location: 8q22.2.
Variant type: Deletion.
Coding change: c.7965_7968del on transcript NM_152564.5 (MANE Select); coding-DNA positions 7965 to 7968, 4 bases deleted (TTGG; older notation c.7965_7968delTTGG).
Protein change: p.Trp2656fs; shifts the reading frame from tryptophan 2656.
Molecular consequence: frameshift variant.
Genome position (GRCh38, 1-based): chr8:99,809,398-99,809,401, TTGG deleted; deleting any 4 consecutive bases within chr8:99,809,396-99,809,401 gives the same sequence; the c. name uses the placement nearest the transcript's 3' end. VCF-style (leftmost placement, unchanged base first): chr8-99809395-AGGTT-A. GRCh37 (hg19) VCF-style: chr8-100821623-AGGTT-A.
Other names: c.8040_8043del, p.Trp2681fs (NM_017890.5); short protein forms W2656fs, W2681fs.
Identifiers: ClinVar variation 5003731 (VCV005003731.1).